The following is an entry in ClinVar:

ClinVar aggregate classification (germline): Uncertain significance. Review status: criteria provided, multiple submitters, no conflicts (2 of 4 stars). 3 submissions from 3 submitters: Uncertain significance (3). Last evaluated 2024-10-28.

Conditions:
Progressive myoclonic epilepsy. Also called: Myoclonic Epilepsies, Progressive; Familial progressive myoclonic epilepsy; Myoclonus epilepsy; Progressive myoclonus epilepsy. Identifiers: Orphanet 308, Orphanet 98261, MedGen C0751778, MONDO:0020074.
Inborn genetic diseases. Identifiers: MedGen C0950123, MeSH D030342.

Allele frequency attached by ClinVar (database versions not stated): gnomAD exomes 0.00001 and 0.00002; ExAC 0.00002; gnomAD 0.00003; TOPMed 0.00003.
gnomAD v4.1: 16 of 1,613,860 alleles (0.00099%); highest among the groups gnomAD compares: African/African-American, 0.012%; no homozygotes.

Submissions (3):

Labcorp Genetics (formerly Invitae), Labcorp
Classification: Uncertain significance for Progressive myoclonic epilepsy. Last evaluated: 2024-10-28. Review status: criteria provided, single submitter. Criteria: Invitae Variant Classification Sherloc (09022015). Collection method: clinical testing. Allele origin: germline.
Comment: This sequence change replaces arginine, which is basic and polar, with glutamine, which is neutral and polar, at codon 90 of the GOSR2 protein (p.Arg90Gln). This variant is present in population databases (rs760503363, gnomAD 0.01%). This variant has not been reported in the literature in individuals affected with GOSR2-related conditions. ClinVar contains an entry for this variant (Variation ID: 589133). An algorithm developed to predict the effect of missense changes on protein structure and function outputs the following: PolyPhen-2: "Benign". The glutamine amino acid residue is found in multiple mammalian species, which suggests that this missense change does not adversely affect protein function. In summary, the available evidence is currently insufficient to determine the role of this variant in disease. Therefore, it has been classified as a Variant of Uncertain Significance.

GeneDx
Classification: Uncertain significance. Last evaluated: 2024-08-24. Review status: criteria provided, single submitter. Criteria: GeneDx Variant Classification Process June 2021. Collection method: clinical testing. Allele origin: germline. Affected: yes.
Comment: In silico analysis indicates that this missense variant does not alter protein structure/function; Has not been previously published as pathogenic or benign to our knowledge

Ambry Genetics
Classification: Uncertain significance for Inborn genetic diseases. Last evaluated: 2023-07-30. Review status: criteria provided, single submitter. Criteria: Ambry Variant Classification Scheme 2023. Collection method: clinical testing. Allele origin: germline.

NM_004287.5(GOSR2):c.269G>A (p.Arg90Gln)

Genes: LRRC37A2 (leucine rich repeat containing 37 member A2), GOSR2 (golgi SNAP receptor complex member 2; plus strand), LOC126862578 (BRD4-independent group 4 enhancer GRCh37_chr17:45008344-45009543; plus strand). Cytogenetic location: 17q21.32.
Variant type: single nucleotide variant.
Coding change: c.269G>A on transcript NM_004287.5 (MANE Select); coding-DNA position 269, G replaced by A.
Protein change: p.Arg90Gln; replaces arginine 90 with glutamine.
Molecular consequence: missense variant. On other transcripts: non-coding transcript variant (3).
Genome position (GRCh38, 1-based): chr17:46,932,132, G>A. VCF-style: chr17-46932132-G-A. GRCh37 (hg19) VCF-style: chr17-45009498-G-A.
Other names: c.269G>A, p.Arg90Gln (NM_001012511.3, NM_001321133.2, NM_001330252.2 and 1 more transcripts); c.215G>A, p.Arg72Gln (NM_001321134.2, NM_001363851.2); c.266G>A, p.Arg89Gln (NM_001353114.2, NM_001353115.2, NM_001353116.2); short protein forms R90Q, R72Q, R89Q.
Identifiers: ClinVar variation 589133 (VCV000589133.11), dbSNP rs760503363, ClinGen allele CA8621220.